The following is an entry in ClinVar:

NM_001701.4(BAAT):c.355G>A (p.Ala119Thr)

Gene: BAAT (bile acid-CoA:amino acid N-acyltransferase; minus strand). Cytogenetic location: 9q31.1.
Variant type: single nucleotide variant.
Coding change: c.355G>A on transcript NM_001701.4 (MANE Select); coding-DNA position 355, G replaced by A.
Protein change: p.Ala119Thr; replaces alanine 119 with threonine.
Molecular consequence: missense variant.
Genome position (GRCh38, 1-based): chr9:101,371,050, C>T on the plus strand (G>A on the coding strand, the complement: BAAT is on the minus strand). VCF-style: chr9-101371050-C-T. GRCh37 (hg19) VCF-style: chr9-104133332-C-T.
Other names: c.355G>A, p.Ala119Thr (NM_001127610.2, NM_001374715.1); short protein forms A119T.
Identifiers: ClinVar variation 2238686 (VCV002238686.3), dbSNP rs1829930929, ClinGen allele CA374256267.

ClinVar aggregate classification (germline): Likely benign. Review status: criteria provided, single submitter (1 of 4 stars). 2 submissions from 2 submitters: Likely benign (1). 1 of the submissions does not count toward it. Last evaluated 2021-07-20.

Conditions:
BAAT-related disorder. Also called: BAAT-related condition.

Allele frequency attached by ClinVar (database versions not stated): TOPMed below 0.00001.
gnomAD v4.1: 2 of 1,614,102 alleles (0.00012%); highest among the groups gnomAD compares: Admixed American, 0.0017%; no homozygotes.

Submissions (2):

Ambry Genetics
Classification: Likely benign. Last evaluated: 2021-07-20. Review status: criteria provided, single submitter. Criteria: Ambry Variant Classification Scheme 2023. Collection method: clinical testing. Allele origin: germline.

PreventionGenetics, part of Exact Sciences
Classification: Uncertain significance for BAAT-related condition. Last evaluated: 2024-08-19. Review status: no assertion criteria provided. Collection method: clinical testing. Allele origin: germline. Not counted in ClinVar's aggregate classification.
Comment: The BAAT c.355G>A variant is predicted to result in the amino acid substitution p.Ala119Thr. To our knowledge, this variant has not been reported in the literature or in a large population database, indicating this variant is rare. At this time, the clinical significance of this variant is uncertain due to the absence of conclusive functional and genetic evidence.